The following is an entry in ClinVar:

ClinVar aggregate classification (germline): Likely benign (0 of 4 stars; one submission).

Conditions:
CGNL1-related disorder. Also called: CGNL1-related condition.

Allele frequency attached by ClinVar (database versions not stated): ESP Exome Variant Server 0.00031.
gnomAD v4.1: 61 of 1,614,108 alleles (0.0038%); highest among the groups gnomAD compares: African/African-American, 0.071%; no homozygotes.

Submission:

PreventionGenetics, part of Exact Sciences
Classification: Likely benign for CGNL1-related condition. Last evaluated: 2019-04-25. Review status: no assertion criteria provided. Collection method: clinical testing. Allele origin: germline.
Comment: This variant is classified as likely benign based on ACMG/AMP sequence variant interpretation guidelines (Richards et al. 2015 PMID: 25741868, with internal and published modifications).

NM_032866.5(CGNL1):c.966T>C (p.His322=)

Gene: CGNL1 (cingulin like 1; plus strand). Cytogenetic location: 15q21.3.
Variant type: single nucleotide variant.
Coding change: c.966T>C on transcript NM_032866.5 (MANE Select); coding-DNA position 966, T replaced by C.
Protein change: p.His322=; no amino-acid change (histidine 322 retained).
Molecular consequence: synonymous variant.
Genome position (GRCh38, 1-based): chr15:57,438,965, T>C. VCF-style: chr15-57438965-T-C. GRCh37 (hg19) VCF-style: chr15-57731163-T-C.
Other names: c.966T>C, p.His322= (NM_001252335.2).
Identifiers: ClinVar variation 3050898 (VCV003050898.2), dbSNP rs138139512, ClinGen allele CA7581666.